The following is an entry in ClinVar:

NM_003086.4(SNAPC4):c.2145T>C (p.His715=)

Gene: SNAPC4 (small nuclear RNA activating complex polypeptide 4; minus strand). Cytogenetic location: 9q34.3.
Variant type: single nucleotide variant.
Coding change: c.2145T>C on transcript NM_003086.4 (MANE Select); coding-DNA position 2145, T replaced by C.
Protein change: p.His715=; no amino-acid change (histidine 715 retained).
Molecular consequence: synonymous variant. On other transcripts: intron variant (2).
Genome position (GRCh38, 1-based): chr9:136,381,996, A>G on the plus strand (T>C on the coding strand, the complement: SNAPC4 is on the minus strand). VCF-style: chr9-136381996-A-G. GRCh37 (hg19) VCF-style: chr9-139276448-A-G.
Other names: c.2145T>C, p.His715= (NM_001394201.1); c.2068-7T>C (NM_001394203.1, NM_001394202.1).
Identifiers: ClinVar variation 4820934 (VCV004820934.4).

ClinVar aggregate classification (germline): Likely benign (1 of 4 stars; one submission).

Submission:

CeGaT Center for Human Genetics Tuebingen
Classification: Likely benign. Last evaluated: 2026-01-01. Review status: criteria provided, single submitter. Criteria: CeGaT Center For Human Genetics Tuebingen Variant Classification Criteria Version 2. Collection method: clinical testing. Allele origin: germline. Affected: yes. Observed: 1 variant allele.
Comment: SNAPC4: BP4, BP7